The following is an entry in ClinVar:

NM_001110556.2(FLNA):c.4303+4A>T

Gene: FLNA (filamin A; minus strand). Cytogenetic location: Xq28.
Variant type: single nucleotide variant.
Coding change: c.4303+4A>T on transcript NM_001110556.2 (MANE Select); 4 bases into the intron after coding-DNA position 4303, A replaced by T.
Molecular consequence: intron variant.
Genome position (GRCh38, 1-based): chrX:154,359,242, T>A on the plus strand (A>T on the coding strand, the complement: FLNA is on the minus strand). VCF-style: chrX-154359242-T-A. GRCh37 (hg19) VCF-style: chrX-153587610-T-A.
Other names: c.4303+4A>T (NM_001456.4).
Identifiers: ClinVar variation 5007531 (VCV005007531.2).

ClinVar aggregate classification (germline): Uncertain significance (1 of 4 stars; one submission).

Conditions:
Frontometaphyseal dysplasia 1 (FMD1). Also called: Frontometaphyseal Dysplasia (FLNA-FMD). Identifiers: Orphanet 1826, MedGen C4281559, MONDO:0024550, OMIM 305620.
Oto-palato-digital syndrome, type I (OPD1). Also called: OPD I SYNDROME; OPD SYNDROME 1; Otopalatodigital Syndrome, Type I; Otopalatodigital Syndrome Type 1 (FLNA-OPD1); Taybi syndrome. Identifiers: Orphanet 669, Orphanet 90650, MedGen C0265251, MONDO:0010704, OMIM 311300.
Oto-palato-digital syndrome, type II (OPD2). Also called: OPD II SYNDROME; Otopalatodigital Syndrome, Type II; Otopalatodigital Syndrome Type 2 (FLNA-OPD2); FACIOPALATOOSSEOUS SYNDROME. Identifiers: Orphanet 669, Orphanet 90652, MedGen C1844696, MONDO:0010571, OMIM 304120.
Melnick-Needles syndrome (MNS). Also called: MELNICK-NEEDLES OSTEODYSPLASTY; OSTEODYSPLASTY OF MELNICK AND NEEDLES; Melnick-Needles Syndrome (FLNA-MNS). Identifiers: Orphanet 2484, MedGen C0025237, MONDO:0010650, OMIM 309350.
FG syndrome 2 (FGS2). Identifiers: MedGen C1845902, MONDO:0010297, OMIM 300321.
Cardiac valvular dysplasia, X-linked (CVDPX). Also called: FLNA-Related X-linked Cardiac Valvular Dysplasia; MYXOMATOUS VALVULAR DYSTROPHY, X-LINKED; Isolated X-Linked Cardiac Valvular Dysplasia; VALVULAR HEART DISEASE, CONGENITAL; Congenital valvular dysplasia. Identifiers: Orphanet 1864, Orphanet 555877, Orphanet 75497, MedGen C0262436, MONDO:0010753, OMIM 314400.
Terminal osseous dysplasia-pigmentary defects syndrome. Also called: ODPD; ODPF SYNDROME; OSSEOUS DYSPLASIA, DIGITAL, WITH FACIAL PIGMENTARY DEFECTS AND MULTIPLE FRENULA; TERMINAL OSSEOUS DYSPLASIA AND PIGMENTARY DEFECTS; Terminal Osseous Dysplasia (FLNA-TOD). Identifiers: Orphanet 88630, MedGen C1846129, MONDO:0010279, OMIM 300244.
Intestinal pseudoobstruction, neuronal, chronic idiopathic, X-linked (CIIPX). Also called: INTESTINAL PSEUDOOBSTRUCTION, NEURONAL, CHRONIC IDIOPATHIC, WITH CENTRAL NERVOUS SYSTEM INVOLVEMENT; FLNA-Related Periventricular Nodular Heterotopia (FLNA-Related PVNH; Huttenlocher Syndrome); CONGENITAL IDIOPATHIC INTESTINAL PSEUDOOBSTRUCTION. Identifiers: Orphanet 2301, MedGen C2746068, MONDO:0010232, OMIM 300048.
Heterotopia, periventricular, X-linked dominant (PVNH1). Also called: PERIVENTRICULAR NODULAR HETEROTOPIA 1; PERIVENTRICULAR NODULAR HETEROTOPIA 4; HETEROTOPIA, PERIVENTRICULAR, 1; X-linked periventricular heterotopia. Identifiers: Orphanet 2149, Orphanet 82004, MedGen C1848213, MONDO:0010233, OMIM 300049.

Submission:

Juno Genomics, Hangzhou Juno Genomics, Inc
Classification: Uncertain significance for FG syndrome 2; Cardiac valvular dysplasia, X-linked; Intestinal pseudoobstruction, neuronal, chronic idiopathic, X-linked; Frontometaphyseal dysplasia 1; Heterotopia, periventricular, X-linked dominant; Melnick-Needles syndrome; Oto-palato-digital syndrome, type I; Oto-palato-digital syndrome, type II; Terminal osseous dysplasia-pigmentary defects syndrome. Review status: criteria provided, single submitter. Criteria: ACMG Guidelines, 2015. Collection method: clinical testing. Allele origin: germline.
Comment: Absent from controls (or at extremely low frequency if recessive) in Genome Aggregation Database.;Multiple lines of computational evidence support a deleterious effect on the gene or gene product.